The following is an entry in ClinVar:

NM_004714.3(DYRK1B):c.1159G>A (p.Gly387Arg)

Gene: DYRK1B (dual specificity tyrosine phosphorylation regulated kinase 1B; minus strand). Cytogenetic location: 19q13.2.
Variant type: single nucleotide variant.
Coding change: c.1159G>A on transcript NM_004714.3 (MANE Select); coding-DNA position 1159, G replaced by A.
Protein change: p.Gly387Arg; replaces glycine 387 with arginine.
Molecular consequence: missense variant. On other transcripts: intron variant (2).
Genome position (GRCh38, 1-based): chr19:39,826,924, C>T on the plus strand (G>A on the coding strand, the complement: DYRK1B is on the minus strand). VCF-style: chr19-39826924-C-T. GRCh37 (hg19) VCF-style: chr19-40317564-C-T.
Other names: c.1159G>A (NM_004714.2); c.1096-57G>A (NM_006483.3); c.1131+28G>A (NM_006484.3); short protein forms G387R.
Identifiers: ClinVar variation 1437750 (VCV001437750.10), dbSNP rs1010396277, ClinGen allele CA308297633.

ClinVar aggregate classification (germline): Uncertain significance. Review status: criteria provided, multiple submitters, no conflicts (2 of 4 stars). 2 submissions from 2 submitters: Uncertain significance (2). Last evaluated 2025-06-04.

Conditions:
DYRK1B-related disorder. Also called: DYRK1B-related condition.

Allele frequency attached by ClinVar (database versions not stated): TOPMed 0.00001; gnomAD exomes 0.00010; 1000 Genomes Project 30x 0.00016.

Submissions (2):

PreventionGenetics, part of Exact Sciences
Classification: Uncertain significance for DYRK1B-related condition. Last evaluated: 2025-06-04. Review status: criteria provided, single submitter. Criteria: ACMG Guidelines, 2015. Collection method: clinical testing. Allele origin: germline.
Comment: The DYRK1B c.1159G>A variant is predicted to result in the amino acid substitution p.Gly387Arg. To our knowledge, this variant has not been reported in the literature. This variant is reported in 0.033% of alleles in individuals of Latino descent in gnomAD, which may be too common to be an undocumented cause of disease. Although we suspect that this variant may be benign, at this time, the clinical significance of this variant is uncertain due to the absence of conclusive functional and genetic evidence.

Labcorp Genetics (formerly Invitae), Labcorp
Classification: Uncertain significance. Last evaluated: 2023-10-29. Review status: criteria provided, single submitter. Criteria: Invitae Variant Classification Sherloc (09022015). Collection method: clinical testing. Allele origin: germline.
Comment: This sequence change replaces glycine, which is neutral and non-polar, with arginine, which is basic and polar, at codon 387 of the DYRK1B protein (p.Gly387Arg). The frequency data for this variant in the population databases is considered unreliable, as metrics indicate poor data quality at this position in the gnomAD database. This variant has not been reported in the literature in individuals affected with DYRK1B-related conditions. ClinVar contains an entry for this variant (Variation ID: 1437750). Advanced modeling of protein sequence and biophysical properties (such as structural, functional, and spatial information, amino acid conservation, physicochemical variation, residue mobility, and thermodynamic stability) performed at Invitae indicates that this missense variant is not expected to disrupt DYRK1B protein function with a negative predictive value of 95%. In summary, the available evidence is currently insufficient to determine the role of this variant in disease. Therefore, it has been classified as a Variant of Uncertain Significance.